The following is an entry in ClinVar:

ClinVar aggregate classification (germline): Uncertain significance (1 of 4 stars; one submission).

Allele frequency attached by ClinVar (database versions not stated): TOPMed 0.00002; gnomAD 0.00004 and 0.00005; ExAC 0.00006; gnomAD exomes 0.00007.
gnomAD v4.1: 79 of 1,610,112 alleles (0.0049%); highest among the groups gnomAD compares: Middle Eastern, 0.017%; 1 homozygote.

Submission:

Labcorp Genetics (formerly Invitae), Labcorp
Classification: Uncertain significance. Last evaluated: 2025-05-04. Review status: criteria provided, single submitter. Criteria: Invitae Variant Classification Sherloc (09022015). Collection method: clinical testing. Allele origin: germline.
Comment: This sequence change affects codon 769 of the ERBB2 mRNA. It is a 'silent' change, meaning that it does not change the encoded amino acid sequence of the ERBB2 protein. It affects a nucleotide within the consensus splice site. This variant is present in population databases (rs774610157, gnomAD 0.03%). This variant has not been reported in the literature in individuals affected with ERBB2-related conditions. ClinVar contains an entry for this variant (Variation ID: 1425926). Algorithms developed to predict the effect of sequence changes on RNA splicing suggest that this variant is not likely to affect RNA splicing. In summary, the available evidence is currently insufficient to determine the role of this variant in disease. Therefore, it has been classified as a Variant of Uncertain Significance.

NM_004448.4(ERBB2):c.2307C>T (p.Asp769=)

Gene: ERBB2 (erb-b2 receptor tyrosine kinase 2; plus strand). Cytogenetic location: 17q12.
Variant type: single nucleotide variant.
Coding change: c.2307C>T on transcript NM_004448.4 (MANE Select); coding-DNA position 2307, C replaced by T.
Protein change: p.Asp769=; no amino-acid change (aspartic acid 769 retained).
Molecular consequence: synonymous variant. On other transcripts: non-coding transcript variant (1), intron variant (2).
Genome position (GRCh38, 1-based): chr17:39,724,010, C>T. VCF-style: chr17-39724010-C-T. GRCh37 (hg19) VCF-style: chr17-37880263-C-T.
Other names: c.2217C>T, p.Asp739= (NM_001005862.3, NM_001382782.1, NM_001382783.1); c.2262C>T, p.Asp754= (NM_001289936.2); c.2307C>T, p.Asp769= (NM_001289937.2, NM_001382796.1, NM_001382798.1 and 1 more transcripts); c.2424C>T, p.Asp808= (NM_001382784.1); c.2409C>T, p.Asp803= (NM_001382785.1); c.2388C>T, p.Asp796= (NM_001382786.1); c.2382C>T, p.Asp794= (NM_001382787.1); c.2337C>T, p.Asp779= (NM_001382788.1); and 11 more.
Identifiers: ClinVar variation 1425926 (VCV001425926.8), dbSNP rs774610157, ClinGen allele CA8534258.